The following continues an entry in ClinVar:

NM_007294.4(BRCA1):c.71G>A (p.Cys24Tyr)

Gene: BRCA1. ClinVar aggregate classification (germline): Likely pathogenic. Likely pathogenic (1).

Submissions 7 to 11 of 11:

Color Diagnostics, LLC DBA Color Health
Classification: Likely pathogenic for Hereditary cancer-predisposing syndrome. Last evaluated: 2024-01-09. Review status: criteria provided, single submitter. Criteria: ACMG Guidelines, 2015. Collection method: clinical testing. Allele origin: germline. Not counted in ClinVar's aggregate classification.
Comment: This missense variant replaces cysteine with tyrosine at codon 24 of the BRCA1 protein. Computational prediction suggests that this variant may have deleterious impact on protein structure and function. This variant alters one of the conserved cysteine residues known to be essential for Zn ion coordination in the RING domain and for proper folding of the BRCA1 protein (PMID: 11573085). This variant has been reported to cause loss of BRCA1 function in a haploid cell proliferation assay (PMID: 30209399). This variant has been reported in individuals affected with breast and/or ovarian cancer (PMID: 18489799, 26187060, 30287823). This variant has not been identified in the general population by the Genome Aggregation Database (gnomAD). Based on the available evidence, this variant is classified as Likely Pathogenic.

Baylor Genetics
Classification: Likely pathogenic for Breast-ovarian cancer, familial, susceptibility to, 1. Last evaluated: 2023-12-20. Review status: criteria provided, single submitter. Criteria: ACMG Guidelines, 2015. Collection method: clinical testing. Allele origin: unknown. Not counted in ClinVar's aggregate classification.

Blueprint Genetics
Classification: Likely pathogenic for BRCA1-related disorders. Last evaluated: 2022-12-20. Review status: criteria provided, single submitter. Criteria: ACMG Guidelines, 2015. Collection method: clinical testing. Allele origin: germline. Affected: yes. Observed: 1 variant allele. Not counted in ClinVar's aggregate classification.

Brotman Baty Institute, University of Washington
No classification provided (evidence only). Condition: Breast-ovarian cancer, familial 1. Review status: no classification provided. Collection method: in vitro. Allele origin: not applicable. Functional consequence: functionally_abnormal. Not counted in ClinVar's aggregate classification.
ClinVar note: "not provided" was previously submitted as the classification for the variant. However, the classification appeared to be based only on an observation of functional data so it was converted to no classification on 2025-07-30.

Breast Cancer Information Core (BIC) (BRCA1)
Classification: Uncertain significance for Breast-ovarian cancer, familial 1. Last evaluated: 2004-02-20. Review status: flagged submission. Collection method: clinical testing. Allele origin: germline. Affected: yes. Observed: 1 variant allele. Not counted in ClinVar's aggregate classification.
ClinVar note: Reason: Older claim that does not account for recent evidence

Literature cited by the submitters: PubMed 24249303 (cited by 4 submitters); PubMed 25823446 (cited by 4 submitters); PubMed 29176636 (cited by 4 submitters); PubMed 30209399 (cited by 5 submitters); PubMed 30287823 (cited by Ambry Genetics and Color Diagnostics, LLC DBA Color Health); PubMed 18489799 (cited by 4 submitters); PubMed 26187060 (cited by Women's Health and Genetics/Laboratory Corporation of America, LabCorp and Color Diagnostics, LLC DBA Color Health); PubMed 21725363 (cited by Labcorp Genetics (formerly Invitae), Labcorp); PubMed 23161852 (cited by Labcorp Genetics (formerly Invitae), Labcorp); PubMed 11573085 (cited by Color Diagnostics, LLC DBA Color Health).